The following is an entry in ClinVar:

NM_170606.3(KMT2C):c.4126A>G (p.Ser1376Gly)

Gene: KMT2C (lysine methyltransferase 2C; minus strand). Cytogenetic location: 7q36.1.
Variant type: single nucleotide variant.
Coding change: c.4126A>G on transcript NM_170606.3 (MANE Select); coding-DNA position 4126, A replaced by G.
Protein change: p.Ser1376Gly; replaces serine 1376 with glycine.
Molecular consequence: missense variant.
Genome position (GRCh38, 1-based): chr7:152,199,426, T>C on the plus strand (A>G on the coding strand, the complement: KMT2C is on the minus strand). VCF-style: chr7-152199426-T-C. GRCh37 (hg19) VCF-style: chr7-151896511-T-C.
Other names: short protein forms S1376G.
Identifiers: ClinVar variation 5008059 (VCV005008059.1).

ClinVar aggregate classification (germline): Uncertain significance (1 of 4 stars; one submission).

Submission:

GeneDx
Classification: Uncertain significance. Last evaluated: 2026-02-26. Review status: criteria provided, single submitter. Criteria: GeneDx Variant Classification Process June 2021. Collection method: clinical testing. Allele origin: germline.
Comment: Not observed at significant frequency in large population cohorts (gnomAD); In silico analysis supports that this missense variant has a deleterious effect on protein structure/function; Has not been previously published as pathogenic or benign to our knowledge